The following is an entry in ClinVar:

NM_000222.3(KIT):c.486T>C (p.Phe162=)

Gene: KIT (KIT proto-oncogene, receptor tyrosine kinase; plus strand). Cytogenetic location: 4q12.
Variant type: single nucleotide variant.
Coding change: c.486T>C on transcript NM_000222.3 (MANE Select); coding-DNA position 486, T replaced by C.
Protein change: p.Phe162=; no amino-acid change (phenylalanine 162 retained).
Molecular consequence: synonymous variant.
Genome position (GRCh38, 1-based): chr4:54,698,432, T>C. VCF-style: chr4-54698432-T-C. GRCh37 (hg19) VCF-style: chr4-55564598-T-C.
Other names: c.486T>C, p.Phe162= (NM_001093772.2, NM_001385284.1, NM_001385285.1 and 4 more transcripts).
Identifiers: ClinVar variation 1743713 (VCV001743713.8), dbSNP rs774584792, ClinGen allele CA2923251.

ClinVar aggregate classification (germline): Benign/Likely benign. Review status: criteria provided, multiple submitters, no conflicts (2 of 4 stars). 3 submissions from 3 submitters: Benign (1); Likely benign (2). Last evaluated 2026-06-03.

Conditions:
Hereditary cancer-predisposing syndrome. Also called: Neoplastic Syndromes, Hereditary; Tumor predisposition; Hereditary Cancer Syndrome; Hereditary neoplastic syndrome. Identifiers: Orphanet 140162, MedGen C0027672, MeSH D009386, MONDO:0015356.
Gastrointestinal stromal tumor. Also called: Gastrointestinal stromal tumor, somatic; Gastrointestinal stroma tumor. Identifiers: Orphanet 44890, MedGen C0238198, MeSH D046152, MONDO:0011719, OMIM 606764, HP:0100723.

Allele frequency attached by ClinVar (database versions not stated): gnomAD exomes 0.00001; ExAC 0.00002.
gnomAD v4.1: 4 of 1,614,190 alleles (0.00025%); highest among the groups gnomAD compares: South Asian, 0.0044%; no homozygotes.

Submissions (3):

Myriad Genetics, Inc.
Classification: Benign for Gastrointestinal stromal tumor. Last evaluated: 2026-06-03. Review status: criteria provided, single submitter. Criteria: Myriad Autosomal Dominant, Autosomal Recessive and X-Linked Classification Criteria (2023). Collection method: clinical testing. Allele origin: unknown.
Comment: This variant is considered benign. This variant is a silent/synonymous amino acid change and it is not expected to impact splicing.

Labcorp Genetics (formerly Invitae), Labcorp
Classification: Likely benign for Gastrointestinal stromal tumor. Last evaluated: 2023-11-13. Review status: criteria provided, single submitter. Criteria: Invitae Variant Classification Sherloc (09022015). Collection method: clinical testing. Allele origin: germline.

Ambry Genetics
Classification: Likely benign for Hereditary cancer-predisposing syndrome. Last evaluated: 2021-08-14. Review status: criteria provided, single submitter. Criteria: Ambry Variant Classification Scheme 2023. Collection method: clinical testing. Allele origin: germline.